The following is an entry in ClinVar:

NM_001395656.1(ROBO2):c.514G>T (p.Val172Phe)

Gene: ROBO2 (roundabout guidance receptor 2; plus strand). Cytogenetic location: 3p12.3.
Variant type: single nucleotide variant.
Coding change: c.514G>T on transcript NM_001395656.1 (MANE Select); coding-DNA position 514, G replaced by T.
Protein change: p.Val172Phe; replaces valine 172 with phenylalanine.
Molecular consequence: missense variant. On other transcripts: 5 prime UTR variant (1).
Genome position (GRCh38, 1-based): chr3:77,477,539, G>T. VCF-style: chr3-77477539-G-T. GRCh37 (hg19) VCF-style: chr3-77526690-G-T.
Other names: c.562G>T, p.Val188Phe (NM_001128929.3, NM_001378190.1, NM_001378201.1 and 5 more transcripts); c.514G>T, p.Val172Phe (NM_001290039.2, NM_001290040.2, NM_001378202.1 and 3 more transcripts); c.-1405G>T (NM_001290065.2); c.583G>T, p.Val195Phe (NM_001394212.1, NM_001394213.1, NM_001394214.1 and 5 more transcripts); short protein forms V172F, V195F, V188F.
Identifiers: ClinVar variation 2784125 (VCV002784125.3), dbSNP rs2548252093, ClinGen allele CA353574628.

ClinVar aggregate classification (germline): Uncertain significance (1 of 4 stars; one submission).

Allele frequency attached by ClinVar (database versions not stated): gnomAD exomes below 0.00001.
gnomAD v4.1: 2 of 1,614,072 alleles (0.00012%); highest among the groups gnomAD compares: Non-Finnish European, 0.00017%; no homozygotes.

Submission:

Labcorp Genetics (formerly Invitae), Labcorp
Classification: Uncertain significance. Last evaluated: 2023-05-31. Review status: criteria provided, single submitter. Criteria: Invitae Variant Classification Sherloc (09022015). Collection method: clinical testing. Allele origin: germline.
Comment: In summary, the available evidence is currently insufficient to determine the role of this variant in disease. Therefore, it has been classified as a Variant of Uncertain Significance. Advanced modeling of protein sequence and biophysical properties (such as structural, functional, and spatial information, amino acid conservation, physicochemical variation, residue mobility, and thermodynamic stability) performed at Invitae indicates that this missense variant is not expected to disrupt ROBO2 protein function. This variant has not been reported in the literature in individuals affected with ROBO2-related conditions. This variant is not present in population databases (gnomAD no frequency). This sequence change replaces valine, which is neutral and non-polar, with phenylalanine, which is neutral and non-polar, at codon 172 of the ROBO2 protein (p.Val172Phe).